The following is an entry in ClinVar:

ClinVar aggregate classification (germline): Uncertain significance. Review status: criteria provided, multiple submitters, no conflicts (2 of 4 stars). 2 submissions from 2 submitters: Uncertain significance (2). Last evaluated 2025-12-22.

Allele frequency attached by ClinVar (database versions not stated): gnomAD 0.00001; TOPMed 0.00002.
gnomAD v4.1: 17 of 1,555,446 alleles (0.0011%); highest among the groups gnomAD compares: Admixed American, 0.0019%; no homozygotes.

Submissions (2):

Labcorp Genetics (formerly Invitae), Labcorp
Classification: Uncertain significance. Last evaluated: 2025-12-22. Review status: criteria provided, single submitter. Criteria: Invitae Variant Classification Sherloc (09022015). Collection method: clinical testing. Allele origin: germline.
Comment: This sequence change replaces methionine, which is neutral and non-polar, with threonine, which is neutral and polar, at codon 38 of the TGFB1 protein (p.Met38Thr). This variant is present in population databases (rs758523150, gnomAD 0.004%). This variant has not been reported in the literature in individuals affected with TGFB1-related conditions. ClinVar contains an entry for this variant (Variation ID: 3019047). An algorithm developed to predict the effect of missense changes on protein structure and function (PolyPhen-2) suggests that this variant is likely to be disruptive. In summary, the available evidence is currently insufficient to determine the role of this variant in disease. Therefore, it has been classified as a Variant of Uncertain Significance.

Blueprint Genetics
Classification: Uncertain significance. Last evaluated: 2024-05-13. Review status: criteria provided, single submitter. Criteria: ACMG Guidelines, 2015. Collection method: clinical testing. Allele origin: germline.

NM_000660.7(TGFB1):c.113T>C (p.Met38Thr)

Genes: TGFB1 (transforming growth factor beta 1; minus strand), LOC130064510 (ATAC-STARR-seq lymphoblastoid silent region 10661; plus strand). Cytogenetic location: 19q13.2.
Variant type: single nucleotide variant.
Coding change: c.113T>C on transcript NM_000660.7 (MANE Select); coding-DNA position 113, T replaced by C.
Protein change: p.Met38Thr; replaces methionine 38 with threonine.
Molecular consequence: missense variant.
Genome position (GRCh38, 1-based): chr19:41,352,932, A>G on the plus strand (T>C on the coding strand, the complement: TGFB1 is on the minus strand). VCF-style: chr19-41352932-A-G. GRCh37 (hg19) VCF-style: chr19-41858837-A-G.
Other names: short protein forms M38T.
Identifiers: ClinVar variation 3019047 (VCV003019047.4), dbSNP rs758523150, ClinGen allele CA308518654.